The following is an entry in ClinVar:

ClinVar aggregate classification (germline): Uncertain significance (1 of 4 stars; one submission).

Conditions:
Dystonia, childhood-onset, with optic atrophy and basal ganglia abnormalities (DYTOABG). Also called: DYSTONIA 29, CHILDHOOD-ONSET; MECR-Related Neurologic Disorder. Identifiers: Orphanet 508093, MedGen C4310634, MONDO:0015003, OMIM 617282.

Submission:

Baylor Genetics
Classification: Uncertain significance for Dystonia, childhood-onset, with optic atrophy and basal ganglia abnormalities. Last evaluated: 2019-11-20. Review status: criteria provided, single submitter. Criteria: ACMG Guidelines, 2015. Collection method: clinical testing. Allele origin: unknown. Affected: yes.
Comment: This variant was determined to be of uncertain significance according to ACMG Guidelines, 2015 [PMID:25741868].

NM_016011.5(MECR):c.161C>T (p.Pro54Leu)

Gene: MECR (mitochondrial trans-2-enoyl-CoA reductase; minus strand). Cytogenetic location: 1p35.3.
Variant type: single nucleotide variant.
Coding change: c.161C>T on transcript NM_016011.5 (MANE Select); coding-DNA position 161, C replaced by T.
Protein change: p.Pro54Leu; replaces proline 54 with leucine.
Molecular consequence: missense variant. On other transcripts: 5 prime UTR variant (5), nonsense (1), non-coding transcript variant (4).
Genome position (GRCh38, 1-based): chr1:29,230,746, G>A on the plus strand (C>T on the coding strand, the complement: MECR is on the minus strand). VCF-style: chr1-29230746-G-A. GRCh37 (hg19) VCF-style: chr1-29557258-G-A.
Other names: c.-195C>T (NM_001024732.4); c.-399C>T (NM_001349711.2); c.-400C>T (NM_001349712.2); c.-277C>T (NM_001349713.2); c.-189C>T (NM_001349714.2); c.161C>T, p.Pro54Leu (NM_001349715.2, NM_001349716.2); c.19C>T, p.Gln7Ter (NM_001349717.2); short protein forms P54L, Q7*.
Identifiers: ClinVar variation 1029421 (VCV001029421.1), dbSNP rs1683215661, ClinGen allele CA339533379.